The following is an entry in ClinVar:

ClinVar aggregate classification (germline): Uncertain significance (1 of 4 stars; one submission).

Conditions:
PCNT-related disorder. Also called: PCNT-related condition.

Submission:

PreventionGenetics, part of Exact Sciences
Classification: Uncertain significance for PCNT-related condition. Last evaluated: 2024-10-22. Review status: criteria provided, single submitter. Criteria: ACMG Guidelines, 2015. Collection method: clinical testing. Allele origin: germline.
Comment: The PCNT c.2357T>G variant is predicted to result in the amino acid substitution p.Ile786Arg. To our knowledge, this variant has not been reported in the literature or in a large population database, indicating this variant is rare. At this time, the clinical significance of this variant is uncertain due to the absence of conclusive functional and genetic evidence.

NM_006031.6(PCNT):c.2357T>G (p.Ile786Arg)

Gene: PCNT (pericentrin; plus strand). Cytogenetic location: 21q22.3.
Variant type: single nucleotide variant.
Coding change: c.2357T>G on transcript NM_006031.6 (MANE Select); coding-DNA position 2357, T replaced by G.
Protein change: p.Ile786Arg; replaces isoleucine 786 with arginine.
Molecular consequence: missense variant.
Genome position (GRCh38, 1-based): chr21:46,363,682, T>G. VCF-style: chr21-46363682-T-G. GRCh37 (hg19) VCF-style: chr21-47783597-T-G.
Other names: c.2003T>G, p.Ile668Arg (NM_001315529.2); short protein forms I668R, I786R.
Identifiers: ClinVar variation 3358356 (VCV003358356.2).